The following is an entry in ClinVar:

NM_015662.3(IFT172):c.3339G>A (p.Leu1113=)

Gene: IFT172 (intraflagellar transport 172; minus strand). Cytogenetic location: 2p23.3.
Variant type: single nucleotide variant.
Coding change: c.3339G>A on transcript NM_015662.3 (MANE Select); coding-DNA position 3339, G replaced by A.
Protein change: p.Leu1113=; no amino-acid change (leucine 1113 retained).
Molecular consequence: synonymous variant.
Genome position (GRCh38, 1-based): chr2:27,456,543, C>T on the plus strand (G>A on the coding strand, the complement: IFT172 is on the minus strand). VCF-style: chr2-27456543-C-T. GRCh37 (hg19) VCF-style: chr2-27679410-C-T.
Other names: c.3339G>A (NM_015662.2); c.3273G>A, p.Leu1091= (NM_001410739.1).
Identifiers: ClinVar variation 4787519 (VCV004787519.2).

ClinVar aggregate classification (germline): Likely benign. Review status: criteria provided, multiple submitters, no conflicts (2 of 4 stars). 2 submissions from 2 submitters: Likely benign (2). Last evaluated 2026-01-19.

Conditions:
IFT172-related disorder. Also called: IFT172-related condition; IFT172-related disorders.
Retinitis pigmentosa 71 (RP71). Identifiers: Orphanet 791, MedGen C4225342, MONDO:0014618, OMIM 616394.
Short-rib thoracic dysplasia 10 with or without polydactyly (SRTD10). Identifiers: Orphanet 474, MedGen C3810175, MONDO:0014284, OMIM 615630.

Submissions (2):

Labcorp Genetics (formerly Invitae), Labcorp
Classification: Likely benign for Retinitis pigmentosa 71; Short-rib thoracic dysplasia 10 with or without polydactyly. Last evaluated: 2026-01-19. Review status: criteria provided, single submitter. Criteria: Invitae Variant Classification Sherloc (09022015). Collection method: clinical testing. Allele origin: germline.

PreventionGenetics, part of Exact Sciences
Classification: Likely benign for IFT172-related condition. Last evaluated: 2025-08-13. Review status: criteria provided, single submitter. Criteria: ACMG Guidelines, 2015. Collection method: clinical testing. Allele origin: germline.
Comment: This variant is classified as likely benign based on ACMG/AMP sequence variant interpretation guidelines (Richards et al. 2015 PMID: 25741868, with internal and published modifications).